The following is an entry in ClinVar:

ClinVar aggregate classification (germline): Uncertain significance (1 of 4 stars; one submission).

Conditions:
Hereditary diffuse gastric adenocarcinoma (HDGC). Also called: DIFFUSE GASTRIC AND LOBULAR BREAST CANCER SYNDROME. Identifiers: Orphanet 26106, MedGen C1708349, MONDO:0007648, OMIM 137215.

Submission:

Labcorp Genetics (formerly Invitae), Labcorp
Classification: Uncertain significance for Hereditary diffuse gastric cancer. Last evaluated: 2014-09-17. Review status: criteria provided, single submitter. Criteria: Invitae Variant Classification Sherloc (09022015). Collection method: clinical testing. Allele origin: germline.
Comment: This sequence change is a gross duplication of the genomic region encompassing exons 3-16 of the CDH1 gene. This duplication extends to the edge of the assayed region; therefore, the 3' boundary of this event is not known. This duplication has not been published in the literature. While the exact position of the duplicated exons cannot be determined from this data, the most likely explanation is that it occurs in tandem. Whether this results in an absent or disrupted protein product remains uncertain. Therefore, it has been classified as a Variant of Uncertain Significance.

NM_004360.4(CDH1):c.164-?_*(1_?)dup

Gene: CDH1 (cadherin 1; plus strand). Cytogenetic location: 16q22.1.
Variant type: Duplication.
Coding change: c.164-?_*(1_?)dup on transcript NM_004360.4.
Other names: c.164-?_(*1_?)dup (LRG_301t1).
Identifiers: ClinVar variation 188094 (VCV000188094.1).